The following is an entry in ClinVar:

ClinVar aggregate classification (germline): Uncertain significance (1 of 4 stars; one submission).

Submission:

New York Genome Center
Classification: Uncertain significance. Last evaluated: 2021-03-02. Review status: criteria provided, single submitter. Criteria: NYGC Assertion Criteria 2020. Collection method: clinical testing. Allele origin: germline. Observed: 1 heterozygote. Study: CSER-NYCKidSeq.
Comment: The c.1073C>T, (p.Pro358Leu) missense variant in exon 9 of 18 of LMBRD2 (cytosolic loop region) has not been reported in affected individuals in the available literature. The variant is absent in gnomAD v3 and gnomAD v2 indicating it is not a common benign variant in the populations represented in these databases. In silico predictors suggest this variant is benign (REVEL; score: 0.085) and damaging (SIFT; score: 0.03). Given the lack of inheritance data and functional studies supporting its pathogenicity, the c.1073C>T, (p.Pro358Leu) variant identified in the LMBRD2 gene is reported as a Variant of Uncertain Significance.

NM_001007527.2(LMBRD2):c.1073C>T (p.Pro358Leu)

Gene: LMBRD2 (LMBR1 domain containing 2; minus strand). Cytogenetic location: 5p13.2.
Variant type: single nucleotide variant.
Coding change: c.1073C>T on transcript NM_001007527.2 (MANE Select); coding-DNA position 1073, C replaced by T.
Protein change: p.Pro358Leu; replaces proline 358 with leucine.
Molecular consequence: missense variant.
Genome position (GRCh38, 1-based): chr5:36,122,327, G>A on the plus strand (C>T on the coding strand, the complement: LMBRD2 is on the minus strand). VCF-style: chr5-36122327-G-A. GRCh37 (hg19) VCF-style: chr5-36122429-G-A.
Other names: short protein forms P358L.
Identifiers: ClinVar variation 1342470 (VCV001342470.1), dbSNP rs2111872754, ClinGen allele CA359448326.